The following is an entry in ClinVar:

NM_182641.4(BPTF):c.2805A>C (p.Leu935Phe)

Gene: BPTF (bromodomain PHD finger transcription factor; plus strand). Cytogenetic location: 17q24.2.
Variant type: single nucleotide variant.
Coding change: c.2805A>C on transcript NM_182641.4 (MANE Select); coding-DNA position 2805, A replaced by C.
Protein change: p.Leu935Phe; replaces leucine 935 with phenylalanine.
Molecular consequence: missense variant.
Genome position (GRCh38, 1-based): chr17:67,904,833, A>C. VCF-style: chr17-67904833-A-C. GRCh37 (hg19) VCF-style: chr17-65900949-A-C.
Other names: c.3183A>C, p.Leu1061Phe (NM_004459.7); short protein forms L1061F, L935F.
Identifiers: ClinVar variation 2635925 (VCV002635925.2), dbSNP rs771036982, ClinGen allele CA8725508.
Genomic context (GRCh38, chr17:67,904,833, plus strand): 5'-TGTTTATAGGTTTGTTCCTAAATTGCCAGGCAATACTAATGTGAATTACAGAAAGTCGTT[A>C]GAAGGAAGTAAGTAATTAAAATTACATGTCCTGCATAATCGTTTCTGCTTTATATTTCTT-3'
Protein context (NP_872579.2, residues 925-945): GNTNVNYRKS[Leu935Phe]EGTKNNMDEN

ClinVar aggregate classification (germline): Uncertain significance. Review status: criteria provided, multiple submitters, no conflicts (2 of 4 stars). 2 submissions from 2 submitters: Uncertain significance (2). Last evaluated 2026-01-11.

Conditions:
BPTF-related disorder. Also called: BPTF-related condition.

Allele frequency attached by ClinVar (database versions not stated): gnomAD exomes below 0.00001; ExAC 0.00001.
gnomAD v4.1: 4 of 1,610,792 alleles (0.00025%); highest among the groups gnomAD compares: Non-Finnish European, 0.00034%; no homozygotes.

Submissions (2):

Labcorp Genetics (formerly Invitae), Labcorp
Classification: Uncertain significance. Last evaluated: 2026-01-11. Review status: criteria provided, single submitter. Criteria: Invitae Variant Classification Sherloc (09022015). Collection method: clinical testing. Allele origin: germline.
Comment: This sequence change replaces leucine, which is neutral and non-polar, with phenylalanine, which is neutral and non-polar, at codon 1061 of the BPTF protein (p.Leu1061Phe). This variant is present in population databases (rs771036982, gnomAD 0.0009%). This variant has not been reported in the literature in individuals affected with BPTF-related conditions. ClinVar contains an entry for this variant (Variation ID: 2635925). An algorithm developed to predict the effect of missense changes on protein structure and function outputs the following: PolyPhen-2: "Benign". The phenylalanine amino acid residue is found in multiple mammalian species, which suggests that this missense change does not adversely affect protein function. In summary, the available evidence is currently insufficient to determine the role of this variant in disease. Therefore, it has been classified as a Variant of Uncertain Significance.

PreventionGenetics, part of Exact Sciences
Classification: Uncertain significance for BPTF-related condition. Last evaluated: 2022-09-07. Review status: criteria provided, single submitter. Criteria: ACMG Guidelines, 2015. Collection method: clinical testing. Allele origin: germline.
Comment: The BPTF c.2805A>C variant is predicted to result in the amino acid substitution p.Leu935Phe. To our knowledge, this variant has not been reported in the literature. This variant is reported in 0.00088% of alleles in individuals of European (Non-Finnish) descent in gnomAD. At this time, the clinical significance of this variant is uncertain due to the absence of conclusive functional and genetic evidence.